The following is an entry in ClinVar:

NM_147127.5(EVC2):c.2848C>T (p.Arg950Trp)

Gene: EVC2 (EvC ciliary complex subunit 2; minus strand). Cytogenetic location: 4p16.2.
Variant type: single nucleotide variant.
Coding change: c.2848C>T on transcript NM_147127.5 (MANE Select); coding-DNA position 2848, C replaced by T.
Protein change: p.Arg950Trp; replaces arginine 950 with tryptophan.
Molecular consequence: missense variant.
Genome position (GRCh38, 1-based): chr4:5,584,832, G>A on the plus strand (C>T on the coding strand, the complement: EVC2 is on the minus strand). VCF-style: chr4-5584832-G-A. GRCh37 (hg19) VCF-style: chr4-5586559-G-A.
Other names: c.2608C>T, p.Arg870Trp (NM_001166136.2); short protein forms R870W, R950W.
Identifiers: ClinVar variation 3387 (VCV000003387.14), dbSNP rs137852928, ClinGen allele CA116175.

ClinVar aggregate classification (germline): Uncertain significance. Review status: criteria provided, multiple submitters, no conflicts (2 of 4 stars). 7 submissions from 7 submitters: Uncertain significance (6). 1 of the submissions does not count toward it. Last evaluated 2026-01-15.

Conditions:
Ellis-van Creveld syndrome (EVC). Also called: MESOECTODERMAL DYSPLASIA; EVC-Related Ellis-van Creveld Syndrome; EVC2-Related Ellis-van Creveld Syndrome; Chondroectodermal dysplasia. Identifiers: Orphanet 289, MedGen C0013903, MONDO:0009162, OMIM 225500.
Curry-Hall syndrome (WAD). Also called: WEYERS ACRODENTAL DYSOSTOSIS. Identifiers: Orphanet 952, MedGen C0457013, MONDO:0008673, OMIM 193530.

Allele frequency attached by ClinVar (database versions not stated): TOPMed 0.00011; gnomAD 0.00012 and 0.00013.
gnomAD v4.1: 208 of 1,614,008 alleles (0.013%); highest among the groups gnomAD compares: Middle Eastern, 0.033%; no homozygotes.

Submissions (7):

Labcorp Genetics (formerly Invitae), Labcorp
Classification: Uncertain significance for Curry-Hall syndrome; Ellis-van Creveld syndrome. Last evaluated: 2026-01-15. Review status: criteria provided, single submitter. Criteria: Invitae Variant Classification Sherloc (09022015). Collection method: clinical testing. Allele origin: germline.
Comment: This sequence change replaces arginine, which is basic and polar, with tryptophan, which is neutral and slightly polar, at codon 950 of the EVC2 protein (p.Arg950Trp). This variant is present in population databases (rs137852928, gnomAD 0.2%). This missense change has been observed in individual(s) with Ellis–van Creveld syndrome (PMID: 12468274, 23220543, 32369273). This variant is also known as Arg870Trp. ClinVar contains an entry for this variant (Variation ID: 3387). An algorithm developed to predict the effect of missense changes on protein structure and function (PolyPhen-2) suggests that this variant is likely to be disruptive. In summary, the available evidence is currently insufficient to determine the role of this variant in disease. Therefore, it has been classified as a Variant of Uncertain Significance.

Women's Health and Genetics/Laboratory Corporation of America, LabCorp
Classification: Uncertain significance. Last evaluated: 2025-10-03. Review status: criteria provided, single submitter. Criteria: LabCorp Variant Classification Summary - May 2015. Collection method: clinical testing. Allele origin: germline.
Comment: Variant summary: EVC2 c.2848C>T (p.Arg950Trp) results in a non-conservative amino acid change in the encoded protein sequence. Algorithms developed to predict the effect of missense changes on protein structure and function are either unavailable or do not agree on the potential impact of this missense change. The variant allele was found at a frequency of 0.00016 in 251302 control chromosomes. This frequency is not significantly higher than estimated for disease-causing variants in EVC2, allowing no conclusion about variant significance. c.2848C>T has been observed in individuals affected with Ellis-van Creveld syndrome (e.g. Galdzicka_2002, D'Asdia_2013, Kosaki_2020). However in two individuals the variant co-occurred in cis with a pathogenic variant (c.3265C>T, p.Gln1089X), providing supporting evidence for a benign role. These reports do not provide unequivocal conclusions about association of the variant with Ellis-van Creveld syndrome. To our knowledge, no experimental evidence demonstrating an impact on protein function has been reported. The following publications have been ascertained in the context of this evaluation (PMID: 23220543, 12468274, 32369273). ClinVar contains an entry for this variant (Variation ID: 3387). Based on the evidence outlined above, the variant was classified as VUS-possibly benign.

GeneDx
Classification: Uncertain significance. Last evaluated: 2024-07-31. Review status: criteria provided, single submitter. Criteria: GeneDx Variant Classification Process June 2021. Collection method: clinical testing. Allele origin: germline. Affected: yes.
Comment: Identified in a patient with Ellis-van Creveld syndrome who also harbored a homozygous pathogenic variant on the same EVC2 allele (in cis) (PMID: 12468274); Reported along with two additional variants in the EVC2 gene in a patient with short stature, postaxial polydactyly, short ribs, and anteriorly placed anus in the published literature; however, segregation information was not provided (PMID: 23220543); In silico analysis supports that this missense variant has a deleterious effect on protein structure/function; This variant is associated with the following publications: (PMID: 32369273, 33452237, 12468274, 23220543, 30476936)

Victorian Clinical Genetics Services, Murdoch Childrens Research Institute
Classification: Uncertain significance for Ellis-van Creveld syndrome. Last evaluated: 2022-03-31. Review status: criteria provided, single submitter. Criteria: ACMG Guidelines, 2015. Collection method: clinical testing. Allele origin: germline. Inheritance: Autosomal recessive inheritance. Affected: yes.
Comment: Based on the classification scheme VCGS_Germline_v1.3.4, this variant is classified as VUS-3B. Following criteria are met: 0103 - Loss of function is a known mechanisms of disease in this gene and are associated with recessive Ellis-van Creveld syndrome (MIM#225500). Gain of function and dominant negative is likely the mechanism associated with dominant Weyers acrofacial dysostosis(MIM#193530) (PMID: 19810119). (I) 0108 - This gene is associated with both recessive and dominant disease (OMIM). (I) 0200 - Variant is predicted to result in a missense amino acid change from arginine to tryptophan. (I) 0251 - This variant is heterozygous. (I) 0304 - Variant is present in gnomAD (v2) <0.01 for a recessive condition (41 heterozygotes, 0 homozygotes). (SP) 0309 - An alternative amino acid change at the same position has been observed in gnomAD (v2) (18 heterozygotes, 0 homozygotes). (I) 0502 - Missense variant with conflicting in silico predictions and uninformative conservation. (I) 0604 - Variant is not located in an established domain, motif, hotspot or informative constraint region. (I) 0705 - No comparable missense variants have previous evidence for pathogenicity. (I) 0809 - Previous evidence of pathogenicity for this variant is inconclusive. This variant has been reported multiple times as VUS in ClinVar. It has also been reported in cis with p.(Gln1089*) in two individuals with Ellis-van Creveld syndrome (PMID: 12468274, 23220543). (I) 1007 - No published functional evidence has been identified for this variant. (I) 1208 - Inheritance information for this variant is not currently available in this individual. (I) Legend: (SP) - Supporting pathogenic, (I) - Information, (SB) - Supporting benign

Fulgent Genetics
Classification: Uncertain significance for Curry-Hall syndrome; Ellis-van Creveld syndrome. Last evaluated: 2022-01-06. Review status: criteria provided, single submitter. Criteria: ACMG Guidelines, 2015. Collection method: clinical testing. Allele origin: unknown.

Myriad Genetics, Inc.
Classification: Uncertain significance for Ellis-van Creveld syndrome. Last evaluated: 2021-10-01. Review status: criteria provided, single submitter. Criteria: Myriad Women's Health Autosomal Recessive and X-Linked Classification Criteria (2021). Collection method: clinical testing. Allele origin: unknown.
Comment: NM_147127.4(EVC2):c.2848C>T(R950W) is a missense variant classified as a variant of uncertain significance in the context of EVC2-related Ellis-van Creveld syndrome. R950W has been observed in cases with relevant disease (PMID: 12468274, 23220543, 32369273). Functional assessments of this variant are not available in the literature. R950W has been observed in population frequency databases (gnomAD: ASJ 0.17%). In summary, there is insufficient evidence to classify NM_147127.4(EVC2):c.2848C>T(R950W) as pathogenic or benign. Please note: this variant was assessed in the context of healthy population screening.

OMIM
Classification: Pathogenic for ELLIS-VAN CREVELD SYNDROME. Last evaluated: 2002-12-01. Review status: no assertion criteria provided. Collection method: literature only. Allele origin: germline. Not counted in ClinVar's aggregate classification.

Literature cited by the submitters: PubMed 12468274 (cited by 5 submitters); PubMed 23220543 (cited by 4 submitters); PubMed 32369273 (cited by 3 submitters); PubMed 19810119 (cited by Victorian Clinical Genetics Services, Murdoch Childrens Research Institute).